The following is an entry in ClinVar:

NC_000019.9:g.(?_17991249)_(17994856_?)del

Gene: SLC5A5 (solute carrier family 5 member 5; plus strand). Cytogenetic location: 19p13.11.
Variant type: Deletion.
Identifiers: ClinVar variation 3242650 (VCV003242650.1).

ClinVar aggregate classification (germline): Pathogenic (1 of 4 stars; one submission).

Submission:

Labcorp Genetics (formerly Invitae), Labcorp
Classification: Pathogenic. Last evaluated: 2023-02-07. Review status: criteria provided, single submitter. Criteria: Invitae Variant Classification Sherloc (09022015). Collection method: clinical testing. Allele origin: unknown.
Comment: This variant is a gross deletion of the genomic region encompassing exon(s) 8-12 of the SLC5A5 gene. This deletion is out-of-frame, and is expected to create a premature termination codon and result in an absent or disrupted protein product. Loss-of-function variants in SLC5A5 are known to be pathogenic (PMID: 9388506, 9486973). This variant has not been reported in the literature in individuals affected with SLC5A5-related conditions. For these reasons, this variant has been classified as Pathogenic.

Literature cited by the submitters: PubMed 9388506; PubMed 9486973.